The following is an entry in ClinVar:

NM_014994.3(MAPKBP1):c.2711C>G (p.Thr904Ser)

Gene: MAPKBP1 (mitogen-activated protein kinase binding protein 1; plus strand). Cytogenetic location: 15q15.1.
Variant type: single nucleotide variant.
Coding change: c.2711C>G on transcript NM_014994.3 (MANE Select); coding-DNA position 2711, C replaced by G.
Protein change: p.Thr904Ser; replaces threonine 904 with serine.
Molecular consequence: missense variant. On other transcripts: non-coding transcript variant (2).
Genome position (GRCh38, 1-based): chr15:41,821,061, C>G. VCF-style: chr15-41821061-C-G. GRCh37 (hg19) VCF-style: chr15-42113259-C-G.
Other names: c.2729C>G, p.Thr910Ser (NM_001128608.2); c.2711C>G, p.Thr904Ser (NM_001265611.2); short protein forms T904S, T910S.
Identifiers: ClinVar variation 1962305 (VCV001962305.5), dbSNP rs2551105322, ClinGen allele CA391871827.

ClinVar aggregate classification (germline): Uncertain significance (1 of 4 stars; one submission).

Submission:

Labcorp Genetics (formerly Invitae), Labcorp
Classification: Uncertain significance. Last evaluated: 2024-12-02. Review status: criteria provided, single submitter. Criteria: Invitae Variant Classification Sherloc (09022015). Collection method: clinical testing. Allele origin: germline.
Comment: This sequence change replaces threonine, which is neutral and polar, with serine, which is neutral and polar, at codon 910 of the MAPKBP1 protein (p.Thr910Ser). This variant is not present in population databases (gnomAD no frequency). This variant has not been reported in the literature in individuals affected with MAPKBP1-related conditions. ClinVar contains an entry for this variant (Variation ID: 1962305). An algorithm developed to predict the effect of missense changes on protein structure and function (PolyPhen-2) suggests that this variant is likely to be tolerated. In summary, the available evidence is currently insufficient to determine the role of this variant in disease. Therefore, it has been classified as a Variant of Uncertain Significance.